The following is an entry in ClinVar:

ClinVar aggregate classification (germline): Uncertain significance (1 of 4 stars; one submission).

gnomAD v4.1: 10 of 1,613,802 alleles (0.00062%); highest among the groups gnomAD compares: Non-Finnish European, 0.00085%; no homozygotes.

Submission:

Labcorp Genetics (formerly Invitae), Labcorp
Classification: Uncertain significance. Last evaluated: 2025-09-11. Review status: criteria provided, single submitter. Criteria: Invitae Variant Classification Sherloc (09022015). Collection method: clinical testing. Allele origin: germline.
Comment: This sequence change replaces aspartic acid, which is acidic and polar, with asparagine, which is neutral and polar, at codon 1088 of the LRP5 protein (p.Asp1088Asn). This variant is not present in population databases (gnomAD no frequency). This variant has not been reported in the literature in individuals affected with LRP5-related conditions. Invitae Evidence Modeling of protein sequence and biophysical properties (such as structural, functional, and spatial information, amino acid conservation, physicochemical variation, residue mobility, and thermodynamic stability) indicates that this missense variant is not expected to disrupt LRP5 protein function with a negative predictive value of 95%. In summary, the available evidence is currently insufficient to determine the role of this variant in disease. Therefore, it has been classified as a Variant of Uncertain Significance.

NM_002335.4(LRP5):c.3262G>A (p.Asp1088Asn)

Gene: LRP5 (LDL receptor related protein 5; plus strand). Cytogenetic location: 11q13.2.
Variant type: single nucleotide variant.
Coding change: c.3262G>A on transcript NM_002335.4 (MANE Select); coding-DNA position 3262, G replaced by A.
Protein change: p.Asp1088Asn; replaces aspartic acid 1088 with asparagine.
Molecular consequence: missense variant.
Genome position (GRCh38, 1-based): chr11:68,425,127, G>A. VCF-style: chr11-68425127-G-A. GRCh37 (hg19) VCF-style: chr11-68192595-G-A.
Other names: c.1519G>A, p.Asp507Asn (NM_001291902.2); short protein forms D507N, D1088N.
Identifiers: ClinVar variation 4693293 (VCV004693293.1).